The following is an entry in ClinVar:

ClinVar aggregate classification (germline): Likely pathogenic (1 of 4 stars; one submission).

Submission:

GeneDx
Classification: Likely pathogenic. Last evaluated: 2025-06-13. Review status: criteria provided, single submitter. Criteria: GeneDx Variant Classification Process June 2021. Collection method: clinical testing. Allele origin: germline. Affected: yes.
Comment: Not observed at significant frequency in large population cohorts (gnomAD); In silico analysis supports that this missense variant has a deleterious effect on protein structure/function; Has not been previously published as pathogenic or benign to our knowledge

NM_015215.4(CAMTA1):c.2623G>A (p.Asp875Asn)

Gene: CAMTA1 (calmodulin binding transcription activator 1; plus strand). Cytogenetic location: 1p36.23.
Variant type: single nucleotide variant.
Coding change: c.2623G>A on transcript NM_015215.4 (MANE Select); coding-DNA position 2623, G replaced by A.
Protein change: p.Asp875Asn; replaces aspartic acid 875 with asparagine.
Molecular consequence: missense variant.
Genome position (GRCh38, 1-based): chr1:7,665,170, G>A. VCF-style: chr1-7665170-G-A. GRCh37 (hg19) VCF-style: chr1-7725230-G-A.
Other names: c.2533G>A, p.Asp845Asn (NM_001349608.2, NM_001349612.2); c.2623G>A, p.Asp875Asn (NM_001349609.2, NM_001349610.2, NM_001410737.1); c.2551G>A, p.Asp851Asn (NM_001410738.1); short protein forms D845N, D851N, D875N.
Identifiers: ClinVar variation 3901566 (VCV003901566.2).